The following is an entry in ClinVar:

NM_000088.4(COL1A1):c.842_858+8del

Genes: COL1A1 (collagen type I alpha 1 chain; minus strand), LOC126862586 (CDK7 strongly-dependent group 2 enhancer GRCh37_chr17:48273702-48274901; plus strand). Cytogenetic location: 17q21.33.
Variant type: Deletion.
Coding change: c.842_858+8del on transcript NM_000088.4 (MANE Select); coding-DNA position 842 through 8 bases into the intron after coding-DNA position 858, 25 bases deleted (GTCCTGCTGGTCCTAAGGTAAGAGG).
Molecular consequence: splice donor variant.
Genome position (GRCh38, 1-based): chr17:50,196,609-50,196,633, CCTCTTACCTTAGGACCAGCAGGAC deleted on the plus strand (GTCCTGCTGGTCCTAAGGTAAGAGG on the coding strand, the reverse complement: COL1A1 is on the minus strand); deleting any 25 consecutive bases within chr17:50,196,609-50,196,634 gives the same sequence; the c. name uses the placement nearest the transcript's 3' end. VCF-style (leftmost placement, unchanged base first): chr17-50196608-GCCTCTTACCTTAGGACCAGCAGGAC-G. GRCh37 (hg19) VCF-style: chr17-48273969-GCCTCTTACCTTAGGACCAGCAGGAC-G.
Identifiers: ClinVar variation 3653911 (VCV003653911.2).
Genomic context (GRCh38, chr17:50,196,608, plus strand): 5'-GAGTGAGAAATTCATTCATGGTGGGACTCTGGGGATGTGGAGGACCATGATGTTCAGACA[GCCTCTTACCTTAGGACCAGCAGGAC>G]CAGCATCTCCCTTGGCACCATCCAAACCACTGAAACCCTAAAGCAGGAAAGAGGTAGAAG-3'

ClinVar aggregate classification (germline): Pathogenic (1 of 4 stars; one submission).

Conditions:
Osteogenesis imperfecta type I (OI1). Also called: Lobstein's Disease; Lobstein disease; Classic Non-deforming Osteogenesis Imperfecta with Blue Sclerae; OI, TYPE I; OSTEOGENESIS IMPERFECTA TARDA; OSTEOGENESIS IMPERFECTA WITH BLUE SCLERAE. Identifiers: Orphanet 216796, Orphanet 666, MedGen C0023931, MONDO:0008146, OMIM 166200. Disease mechanism: loss of function.

Submission:

Labcorp Genetics (formerly Invitae), Labcorp
Classification: Pathogenic for Osteogenesis imperfecta type I. Last evaluated: 2024-05-20. Review status: criteria provided, single submitter. Criteria: Invitae Variant Classification Sherloc (09022015). Collection method: clinical testing. Allele origin: germline.
Comment: This variant results in the deletion of part of exon 12 of the COL1A1 gene. It is expected to disrupt RNA splicing. Variants that disrupt the donor or acceptor splice site typically lead to a loss of protein function (PMID: 16199547), and loss-of-function variants in COL1A1 are known to be pathogenic (PMID: 7942841, 9295084, 9443882). This variant is not present in population databases (gnomAD no frequency). This variant has been observed in individual(s) with osteogenesis imperfecta (Invitae). This variant disrupts a region of the COL1A1 protein, the triple helix domain, in which other variant(s) (p.Gly281Asp) have been determined to be pathogenic (PMID: 17078022). Glycine residues within the Gly-Xaa-Yaa repeats of the triple helix domain are required for the structure and stability of fibrillar collagens (PMID: 7695699, 8218237, 19344236). In COL1A1, variants affecting these glycine residues are significantly enriched in individuals with disease (PMID: 9016532, 17078022) compared to the general population (ExAC). For these reasons, this variant has been classified as Pathogenic.

Literature cited by the submitters: PubMed 16199547; PubMed 7942841; PubMed 9295084; PubMed 9443882; PubMed 17078022; PubMed 7695699; PubMed 8218237; PubMed 19344236; PubMed 9016532.